The following is an entry in ClinVar:

ClinVar aggregate classification (germline): Pathogenic (1 of 4 stars; one submission).

Allele frequency attached by ClinVar (database versions not stated): gnomAD exomes below 0.00001 and 0.00001.
gnomAD v4.1: 1 of 1,548,336 alleles (0.000065%); highest among the groups gnomAD compares: Admixed American, 0.002%; no homozygotes.

Submission:

Labcorp Genetics (formerly Invitae), Labcorp
Classification: Pathogenic. Last evaluated: 2021-03-25. Review status: criteria provided, single submitter. Criteria: Invitae Variant Classification Sherloc (09022015). Collection method: clinical testing. Allele origin: germline.
Comment: For these reasons, this variant has been classified as Pathogenic. This variant has not been reported in the literature in individuals with OTOG-related conditions. The frequency data for this variant in the population databases is considered unreliable, as metrics indicate insufficient coverage at this position in the ExAC database. This sequence change creates a premature translational stop signal (p.Trp1107*) in the OTOG gene. It is expected to result in an absent or disrupted protein product. Loss-of-function variants in OTOG are known to be pathogenic (PMID: 23122587).

Literature cited by the submitters: PubMed 23122587.

NM_001292063.2(OTOG):c.3284G>A (p.Trp1095Ter)

Gene: OTOG (otogelin; plus strand). Cytogenetic location: 11p15.1.
Variant type: single nucleotide variant.
Coding change: c.3284G>A on transcript NM_001292063.2 (MANE Select); coding-DNA position 3284, G replaced by A.
Protein change: p.Trp1095Ter; replaces tryptophan 1095 with a stop codon.
Molecular consequence: nonsense.
Genome position (GRCh38, 1-based): chr11:17,593,752, G>A. VCF-style: chr11-17593752-G-A. GRCh37 (hg19) VCF-style: chr11-17615299-G-A.
Other names: c.3320G>A, p.Trp1107Ter (NM_001277269.2); short protein forms W1107*, W1095*.
Identifiers: ClinVar variation 1452273 (VCV001452273.6), dbSNP rs1218807903, ClinGen allele CA379783412.
Genomic context (GRCh38, chr11:17,593,752, plus strand): 5'-AGCACATCACCCTCTTGTGGGACCAGAGAACCACAGTGCACGTCCAGGCTGGGCCTCAGT[G>A]GCAGGTACTTACATGAGCAGTGACATTCTGCTCCTGCCTGGGGCTAAGCCAAGCCCTGGG-3'